The following is an entry in ClinVar:

ClinVar aggregate classification (germline): Uncertain significance. Review status: criteria provided, multiple submitters, no conflicts (2 of 4 stars). 2 submissions from 2 submitters: Uncertain significance (2). Last evaluated 2025-04-18.

Conditions:
Glycogen storage disease, type VI (GSD6). Also called: HERS DISEASE; PHOSPHORYLASE DEFICIENCY GLYCOGEN-STORAGE DISEASE OF LIVER; Glycogen storage disease type 6, due to phosphorylation; GSD VI; Glycogen storage disease type 6; Hepatic glycogen phosphorylase deficiency. Identifiers: Orphanet 369, MedGen C0017925, MONDO:0009294, OMIM 232700.
Inborn genetic diseases. Identifiers: MedGen C0950123, MeSH D030342.

Allele frequency attached by ClinVar (database versions not stated): gnomAD 0.00001; TOPMed 0.00001.
gnomAD v4.1: 2 of 1,613,802 alleles (0.00012%); highest among the groups gnomAD compares: Admixed American, 0.0017%; no homozygotes.

Submissions (2):

Ambry Genetics
Classification: Uncertain significance for Inborn genetic diseases. Last evaluated: 2025-04-18. Review status: criteria provided, single submitter. Criteria: Ambry Variant Classification Scheme 2023. Collection method: clinical testing. Allele origin: germline.

Labcorp Genetics (formerly Invitae), Labcorp
Classification: Uncertain significance for Glycogen storage disease, type VI. Last evaluated: 2021-06-20. Review status: criteria provided, single submitter. Criteria: Invitae Variant Classification Sherloc (09022015). Collection method: clinical testing. Allele origin: germline.
Comment: In summary, the available evidence is currently insufficient to determine the role of this variant in disease. Therefore, it has been classified as a Variant of Uncertain Significance. Advanced modeling of protein sequence and biophysical properties (such as structural, functional, and spatial information, amino acid conservation, physicochemical variation, residue mobility, and thermodynamic stability) performed at Invitae indicates that this missense variant is not expected to disrupt PYGL protein function. This variant has not been reported in the literature in individuals with PYGL-related conditions. This variant is not present in population databases (ExAC no frequency). This sequence change replaces isoleucine with valine at codon 336 of the PYGL protein (p.Ile336Val). The isoleucine residue is highly conserved and there is a small physicochemical difference between isoleucine and valine.

NM_002863.5(PYGL):c.1006A>G (p.Ile336Val)

Gene: PYGL (glycogen phosphorylase L; minus strand). Cytogenetic location: 14q22.1.
Variant type: single nucleotide variant.
Coding change: c.1006A>G on transcript NM_002863.5 (MANE Select); coding-DNA position 1006, A replaced by G.
Protein change: p.Ile336Val; replaces isoleucine 336 with valine.
Molecular consequence: missense variant.
Genome position (GRCh38, 1-based): chr14:50,916,728, T>C on the plus strand (A>G on the coding strand, the complement: PYGL is on the minus strand). VCF-style: chr14-50916728-T-C. GRCh37 (hg19) VCF-style: chr14-51383446-T-C.
Other names: c.1006A>G (NM_002863.4); c.904A>G, p.Ile302Val (NM_001163940.2); short protein forms I336V, I302V.
Identifiers: ClinVar variation 1434570 (VCV001434570.7), dbSNP rs570077088, ClinGen allele CA260827617.